The following is an entry in ClinVar:

ClinVar aggregate classification (germline): Uncertain significance (1 of 4 stars; one submission).

Conditions:
Inborn genetic diseases. Identifiers: MedGen C0950123, MeSH D030342.

Submission:

Ambry Genetics
Classification: Uncertain significance for Inborn genetic diseases. Last evaluated: 2026-07-19. Review status: criteria provided, single submitter. Criteria: Ambry Variant Classification Scheme 2023. Collection method: clinical testing. Allele origin: germline.
Comment: The c.161C>A (p.P54Q) alteration is located in exon 1 (coding exon 1) of the PGAP3 gene. This alteration results from a C to A substitution at nucleotide position 161, causing the proline (P) at amino acid position 54 to be replaced by a glutamine (Q). Based on data from gnomAD, the A allele has an overall frequency of 0.001% (1/174660) total alleles studied. The highest observed frequency was 0.001% (1/79314) of European (non-Finnish) alleles. Based on insufficient or conflicting evidence, the clinical significance of this alteration remains unclear.

NM_033419.5(PGAP3):c.161C>A (p.Pro54Gln)

Gene: PGAP3 (post-GPI attachment to proteins phospholipase 3; minus strand). Cytogenetic location: 17q12.
Variant type: single nucleotide variant.
Coding change: c.161C>A on transcript NM_033419.5 (MANE Select); coding-DNA position 161, C replaced by A.
Protein change: p.Pro54Gln; replaces proline 54 with glutamine.
Molecular consequence: missense variant.
Genome position (GRCh38, 1-based): chr17:39,687,854, G>T on the plus strand (C>A on the coding strand, the complement: PGAP3 is on the minus strand). VCF-style: chr17-39687854-G-T. GRCh37 (hg19) VCF-style: chr17-37844107-G-T.
Other names: c.161C>A, p.Pro54Gln (NM_001291726.2, NM_001291728.2, NM_001291730.2 and 2 more transcripts); short protein forms P54Q.
Identifiers: ClinVar variation 5026483 (VCV005026483.1).